The following is an entry in ClinVar:

ClinVar aggregate classification (germline): Benign. Review status: reviewed by expert panel (3 of 4 stars). 3 submissions from 3 submitters: Benign (1). 2 of the submissions do not count toward it. Last evaluated 2021-05-06.

Conditions:
Mitochondrial disease. Also called: Mitochondrial disorder; Mitochondrial disorders. Identifiers: Orphanet 68380, MedGen C0751651, MeSH D028361, MONDO:0044970.

Allele frequency attached by ClinVar (database versions not stated): 1000 Genomes Project 0.01478; 1000 Genomes Project 30x 0.01593; gnomAD 0.01667; TOPMed 0.01904.
gnomAD v4.1: 3,698 of 704,280 alleles (0.53%); highest among the groups gnomAD compares: African/African-American, 5.8%; 83 homozygotes.

Submissions (3):

ClinGen Mitochondrial Disease Nuclear and Mitochondrial  Variant Curation Expert Panel, ClinGen
Classification: Benign for Mitochondrial disease. Last evaluated: 2021-05-06. Review status: reviewed by expert panel. Criteria: clingen mito disease acmg specifications v1-1. Collection method: curation. Allele origin: germline. Inheritance: Autosomal recessive inheritance.
Comment: The c.3483-164 A>C variant in POLG is present in population databases gnomAD at 5.9% and seen in 12 homozygotes (BA1; observed > 1% frequency and BS2). In summary, this variant is characterized as a benign variant for primary mitochondrial disease inherited in a autosomal recessive manner. ntDNA Mitochondrial ACMG-AMP Criteria for POLG applied: BA1, BS2

GeneDx
Classification: Benign. Last evaluated: 2018-06-14. Review status: criteria provided, single submitter. Criteria: GeneDx Variant Classification (06012015). Collection method: clinical testing. Allele origin: germline. Affected: yes. Not counted in ClinVar's aggregate classification.
Comment: This variant is considered likely benign or benign based on one or more of the following criteria: it is a conservative change, it occurs at a poorly conserved position in the protein, it is predicted to be benign by multiple in silico algorithms, and/or has population frequency not consistent with disease.

Breakthrough Genomics
Classification: Benign. Review status: criteria provided, single submitter. Criteria: ACMG Guidelines, 2015. Collection method: not provided. Allele origin: germline. Inheritance: Autosomal recessive inheritance. Affected: yes. Not counted in ClinVar's aggregate classification.

NM_002693.3(POLG):c.3483-164A>C

Gene: POLG (DNA polymerase gamma, catalytic subunit; minus strand). Cytogenetic location: 15q26.1.
Variant type: single nucleotide variant.
Coding change: c.3483-164A>C on transcript NM_002693.3 (MANE Select); 164 bases into the intron before coding-DNA position 3483, A replaced by C.
Molecular consequence: intron variant.
Genome position (GRCh38, 1-based): chr15:89,317,700, T>G on the plus strand (A>C on the coding strand, the complement: POLG is on the minus strand). VCF-style: chr15-89317700-T-G. GRCh37 (hg19) VCF-style: chr15-89860931-T-G.
Other names: NM_002693.2(POLG):c.3483-164A>C; c.3483-164A>C (NM_001126131.2).
Identifiers: ClinVar variation 677628 (VCV000677628.3), dbSNP rs3176231, ClinGen allele CA15842843.
Genomic context (GRCh38, chr15:89,317,700, plus strand): 5'-GACCAACACCCCATCTGTTCACTTAGCTAAGTCAAGAAAGGTGAAGGTCCAGCACTGTTT[T>G]CCATCCAGCAGCCTAACCTCCCACTGAGATACTGAAATGCAATTATGGACTCAACATACT-3'